The following is an entry in ClinVar:

NM_002497.4(NEK2):c.1276G>A (p.Ala426Thr)

Gene: NEK2 (NIMA related kinase 2; minus strand). Cytogenetic location: 1q32.3.
Variant type: single nucleotide variant.
Coding change: c.1276G>A on transcript NM_002497.4 (MANE Select); coding-DNA position 1276, G replaced by A.
Protein change: p.Ala426Thr; replaces alanine 426 with threonine.
Molecular consequence: missense variant. On other transcripts: intron variant (1).
Genome position (GRCh38, 1-based): chr1:211,663,488, C>T on the plus strand (G>A on the coding strand, the complement: NEK2 is on the minus strand). VCF-style: chr1-211663488-C-T. GRCh37 (hg19) VCF-style: chr1-211836830-C-T.
Other names: c.1111+3618G>A (NM_001204182.2); short protein forms A426T.
Identifiers: ClinVar variation 1966657 (VCV001966657.5), dbSNP rs750553031, ClinGen allele CA1381467.

ClinVar aggregate classification (germline): Uncertain significance (1 of 4 stars; one submission).

Allele frequency attached by ClinVar (database versions not stated): gnomAD exomes below 0.00001; TOPMed below 0.00001; ExAC 0.00001.
gnomAD v4.1: 2 of 1,613,932 alleles (0.00012%); highest among the groups gnomAD compares: Admixed American, 0.0033%; no homozygotes.

Submission:

Labcorp Genetics (formerly Invitae), Labcorp
Classification: Uncertain significance. Last evaluated: 2022-10-05. Review status: criteria provided, single submitter. Criteria: Invitae Variant Classification Sherloc (09022015). Collection method: clinical testing. Allele origin: germline.
Comment: In summary, the available evidence is currently insufficient to determine the role of this variant in disease. Therefore, it has been classified as a Variant of Uncertain Significance. Algorithms developed to predict the effect of missense changes on protein structure and function are either unavailable or do not agree on the potential impact of this missense change (SIFT: "Deleterious"; PolyPhen-2: "Benign"; Align-GVGD: "Class C0"). This variant has not been reported in the literature in individuals affected with NEK2-related conditions. This variant is present in population databases (rs750553031, gnomAD 0.006%). This sequence change replaces alanine, which is neutral and non-polar, with threonine, which is neutral and polar, at codon 426 of the NEK2 protein (p.Ala426Thr).